The following is an entry in ClinVar:

NM_015175.3(NBEAL2):c.4306-4A>G

Gene: NBEAL2 (neurobeachin like 2; plus strand). Cytogenetic location: 3p21.31.
Variant type: single nucleotide variant.
Coding change: c.4306-4A>G on transcript NM_015175.3 (MANE Select); 4 bases into the intron before coding-DNA position 4306, A replaced by G.
Molecular consequence: intron variant.
Genome position (GRCh38, 1-based): chr3:47,000,997, A>G. VCF-style: chr3-47000997-A-G. GRCh37 (hg19) VCF-style: chr3-47042487-A-G.
Other names: p.?; c.4204-4A>G (NM_001365116.2).
Identifiers: ClinVar variation 787785 (VCV000787785.11), dbSNP rs201229761, ClinGen allele CA2361213.

ClinVar aggregate classification (germline): Benign/Likely benign. Review status: criteria provided, multiple submitters, no conflicts (2 of 4 stars). 4 submissions from 4 submitters: Benign (3); Likely benign (1). Last evaluated 2026-01-28.

Allele frequency attached by ClinVar (database versions not stated): ExAC 0.00141; 1000 Genomes Project 30x 0.00265; ESP Exome Variant Server 0.00279; 1000 Genomes Project 0.00280; gnomAD 0.00365 and 0.00393; TOPMed 0.00382.
gnomAD v4.1: 1,039 of 1,601,530 alleles (0.065%); highest among the groups gnomAD compares: African/African-American, 1.3%; 8 homozygotes.

Submissions (4):

Labcorp Genetics (formerly Invitae), Labcorp
Classification: Benign. Last evaluated: 2026-01-28. Review status: criteria provided, single submitter. Criteria: Invitae Variant Classification Sherloc (09022015). Collection method: clinical testing. Allele origin: germline.

Mayo Clinic Laboratories, Mayo Clinic
Classification: Benign. Last evaluated: 2025-10-13. Review status: criteria provided, single submitter. Criteria: ACMG Guidelines, 2015. Collection method: clinical testing. Allele origin: germline. Observed: 1 variant allele.
Comment: BS1, BS2, BP4, BP7

Blueprint Genetics
Classification: Likely benign. Last evaluated: 2024-11-11. Review status: criteria provided, single submitter. Criteria: ACMG Guidelines, 2015. Collection method: clinical testing. Allele origin: germline.

Genetic Services Laboratory, University of Chicago
Classification: Benign. Last evaluated: 2020-12-02. Review status: criteria provided, single submitter. Criteria: ACMG Guidelines, 2015. Collection method: clinical testing. Allele origin: germline. Affected: no.